The following is an entry in ClinVar:

NM_138295.5(PKD1L1):c.2427C>A (p.Asp809Glu)

Gene: PKD1L1 (polycystin 1 like 1, transient receptor potential channel interacting; minus strand). Cytogenetic location: 7p12.3.
Variant type: single nucleotide variant.
Coding change: c.2427C>A on transcript NM_138295.5 (MANE Select); coding-DNA position 2427, C replaced by A.
Protein change: p.Asp809Glu; replaces aspartic acid 809 with glutamic acid.
Molecular consequence: missense variant.
Genome position (GRCh38, 1-based): chr7:47,893,904, G>T on the plus strand (C>A on the coding strand, the complement: PKD1L1 is on the minus strand). VCF-style: chr7-47893904-G-T. GRCh37 (hg19) VCF-style: chr7-47933501-G-T.
Other names: short protein forms D809E.
Identifiers: ClinVar variation 4278620 (VCV004278620.1).

ClinVar aggregate classification (germline): Uncertain significance (1 of 4 stars; one submission).

gnomAD v4.1: 3 of 1,613,898 alleles (0.00019%); highest among the groups gnomAD compares: Middle Eastern, 0.033%; no homozygotes.

Submission:

GeneDx
Classification: Uncertain significance. Last evaluated: 2025-04-02. Review status: criteria provided, single submitter. Criteria: GeneDx Variant Classification Process June 2021. Collection method: clinical testing. Allele origin: germline. Affected: yes.
Comment: Has not been previously published as pathogenic or benign to our knowledge; Not observed at significant frequency in large population cohorts (gnomAD); In silico analysis supports that this missense variant has a deleterious effect on protein structure/function